The following is an entry in ClinVar:

NM_004713.6(NEMF):c.2514G>A (p.Ala838=)

Gene: NEMF (nuclear export mediator factor; minus strand). Cytogenetic location: 14q21.3.
Variant type: single nucleotide variant.
Coding change: c.2514G>A on transcript NM_004713.6 (MANE Select); coding-DNA position 2514, G replaced by A.
Protein change: p.Ala838=; no amino-acid change (alanine 838 retained).
Molecular consequence: synonymous variant.
Genome position (GRCh38, 1-based): chr14:49,795,896, C>T on the plus strand (G>A on the coding strand, the complement: NEMF is on the minus strand). VCF-style: chr14-49795896-C-T. GRCh37 (hg19) VCF-style: chr14-50262614-C-T.
Other names: c.2451G>A, p.Ala817= (NM_001301732.3).
Identifiers: ClinVar variation 2644216 (VCV002644216.24), dbSNP rs140184181, ClinGen allele CA7174905.
Genomic context (GRCh38, chr14:49,795,896, plus strand): 5'-TGTGTTCTGATGAGTTTCAATGTGTACAGTACTTTCTTTTTCTTTATCCTTTCCCTCTAA[C>T]GCTTCTAAATCTCCTGAGTCACTTGGAAGTTTTTTCTTTTTCATTTCCCTGAATAAAAAA-3'
Protein context (NP_004704.3, residues 828-848): KLPSDSGDLE[Ala838=]LEGKDKEKES

ClinVar aggregate classification (germline): Likely benign (1 of 4 stars; one submission).

Allele frequency attached by ClinVar (database versions not stated): ExAC 0.00002; gnomAD exomes 0.00002; TOPMed 0.00002; gnomAD 0.00003; ESP Exome Variant Server 0.00008.
gnomAD v4.1: 28 of 1,612,264 alleles (0.0017%); highest among the groups gnomAD compares: African/African-American, 0.004%; no homozygotes.

Submission:

CeGaT Center for Human Genetics Tuebingen
Classification: Likely benign. Last evaluated: 2022-07-01. Review status: criteria provided, single submitter. Criteria: CeGaT Center For Human Genetics Tuebingen Variant Classification Criteria Version 2. Collection method: clinical testing. Allele origin: germline. Affected: yes. Observed: 1 variant allele.
Comment: NEMF: BP4, BP7